The following is an entry in ClinVar:

NC_000015.10:g.84817058C>A

Gene: ALPK3 (alpha kinase 3; plus strand). Cytogenetic location: 15q25.3.
Variant type: single nucleotide variant.
Genome position: GRCh38 VCF-style: chr15-84817058-C-A. GRCh37 (hg19) VCF-style: chr15-85360289-C-A.
Identifiers: ClinVar variation 3698444 (VCV003698444.2).

ClinVar aggregate classification (germline): Uncertain significance (1 of 4 stars; one submission).

Submission:

Labcorp Genetics (formerly Invitae), Labcorp
Classification: Uncertain significance. Last evaluated: 2024-11-13. Review status: criteria provided, single submitter. Criteria: Invitae Variant Classification Sherloc (09022015). Collection method: clinical testing. Allele origin: germline.
Comment: This sequence change replaces alanine, which is neutral and non-polar, with aspartic acid, which is acidic and polar, at codon 71 of the ALPK3 protein (p.Ala71Asp). The frequency data for this variant in the population databases is considered unreliable, as metrics indicate poor data quality at this position in the gnomAD database. This variant has not been reported in the literature in individuals affected with ALPK3-related conditions. An algorithm developed to predict the effect of missense changes on protein structure and function (PolyPhen-2) suggests that this variant is likely to be disruptive. In summary, the available evidence is currently insufficient to determine the role of this variant in disease. Therefore, it has been classified as a Variant of Uncertain Significance.